The following is an entry in ClinVar:

ClinVar aggregate classification (germline): Uncertain significance (0 of 4 stars; one submission).

Conditions:
ARID1B-Related Disorder. Identifiers: MedGen CN381337.

Submission:

PreventionGenetics, part of Exact Sciences
Classification: Uncertain significance for ARID1B-related condition. Last evaluated: 2024-01-21. Review status: no assertion criteria provided. Collection method: clinical testing. Allele origin: germline.
Comment: The ARID1B c.559G>A variant is predicted to result in the amino acid substitution p.Asp187Asn. To our knowledge, this variant has not been reported in the literature or in a large population database, indicating this variant is rare. At this time, the clinical significance of this variant is uncertain due to the absence of conclusive functional and genetic evidence.

NM_001374828.1(ARID1B):c.808G>A (p.Asp270Asn)

Genes: ARID1B (AT-rich interaction domain 1B; plus strand), LOC115308161 (uncharacterized LOC115308161; minus strand), LOC129997525 (ATAC-STARR-seq lymphoblastoid silent region 17712; plus strand). Cytogenetic location: 6q25.3.
Variant type: single nucleotide variant.
Coding change: c.808G>A on transcript NM_001374828.1 (MANE Select); coding-DNA position 808, G replaced by A.
Protein change: p.Asp270Asn; replaces aspartic acid 270 with asparagine.
Molecular consequence: missense variant. On other transcripts: non-coding transcript variant (1).
Genome position (GRCh38, 1-based): chr6:156,778,488, G>A. VCF-style: chr6-156778488-G-A. GRCh37 (hg19) VCF-style: chr6-157099622-G-A.
Other names: c.559G>A, p.Asp187Asn (NM_001346813.1, NM_020732.3); c.808G>A, p.Asp270Asn (NM_001371656.1, NM_001374820.1, NM_017519.3); c.385G>A, p.Asp129Asn (NM_175863.2); short protein forms D129N, D187N, D270N.
Identifiers: ClinVar variation 3032044 (VCV003032044.2), dbSNP rs911708913, ClinGen allele CA150802737.